The following is an entry in ClinVar:

NM_002635.4(SLC25A3):c.*3A>G

Gene: SLC25A3 (solute carrier family 25 member 3; plus strand). Cytogenetic location: 12q23.1.
Variant type: single nucleotide variant.
Coding change: c.*3A>G on transcript NM_002635.4 (MANE Select); 3 bases downstream of the stop codon, A replaced by G.
Molecular consequence: 3 prime UTR variant.
Genome position (GRCh38, 1-based): chr12:98,601,531, A>G. VCF-style: chr12-98601531-A-G. GRCh37 (hg19) VCF-style: chr12-98995309-A-G.
Other names: c.*3A>G (NM_005888.4, NM_213611.3).
Identifiers: ClinVar variation 4683768 (VCV004683768.1).

ClinVar aggregate classification (germline): Likely benign (1 of 4 stars; one submission).

Submission:

Mayo Clinic Laboratories, Mayo Clinic
Classification: Likely benign. Last evaluated: 2025-11-20. Review status: criteria provided, single submitter. Criteria: ACMG Guidelines, 2015. Collection method: clinical testing. Allele origin: germline. Observed: 1 variant allele.
Comment: BP4, BP7